The following is an entry in ClinVar:

ClinVar aggregate classification (germline): Uncertain significance. Review status: criteria provided, multiple submitters, no conflicts (2 of 4 stars). 2 submissions from 2 submitters: Uncertain significance (2). Last evaluated 2021-11-27.

Conditions:
Inborn genetic diseases. Identifiers: MedGen C0950123, MeSH D030342.
Congenital insensitivity to pain-hypohidrosis syndrome. Also called: HSAN VIII; Neuropathy, hereditary sensory and autonomic, type VIII. Identifiers: Orphanet 478664, MedGen C4225308, MONDO:0014662, OMIM 616488.

gnomAD v4.1: 11 of 1,122,742 alleles (0.00098%); highest among the groups gnomAD compares: African/African-American, 0.0017%; no homozygotes.

Submissions (2):

Labcorp Genetics (formerly Invitae), Labcorp
Classification: Uncertain significance for Congenital insensitivity to pain-hypohidrosis syndrome. Last evaluated: 2021-11-27. Review status: criteria provided, single submitter. Criteria: Invitae Variant Classification Sherloc (09022015). Collection method: clinical testing. Allele origin: germline.
Comment: In summary, the available evidence is currently insufficient to determine the role of this variant in disease. Therefore, it has been classified as a Variant of Uncertain Significance. Algorithms developed to predict the effect of missense changes on protein structure and function are either unavailable or do not agree on the potential impact of this missense change (SIFT: "Tolerated"; PolyPhen-2: "Not Available"; Align-GVGD: "Class C0"). This variant has not been reported in the literature in individuals affected with PRDM12-related conditions. The frequency data for this variant in the population databases is considered unreliable, as metrics indicate poor data quality at this position in the gnomAD database. This sequence change replaces histidine, which is basic and polar, with proline, which is neutral and non-polar, at codon 341 of the PRDM12 protein (p.His341Pro).

Ambry Genetics
Classification: Uncertain significance for Inborn genetic diseases. Last evaluated: 2020-03-26. Review status: criteria provided, single submitter. Criteria: Ambry Variant Classification Scheme 2023. Collection method: clinical testing. Allele origin: germline.
Comment: The p.H341P variant (also known as c.1022A>C), located in coding exon 5 of the PRDM12 gene, results from an A to C substitution at nucleotide position 1022. The histidine at codon 341 is replaced by proline, an amino acid with similar properties. This amino acid position is well conserved in available vertebrate species. In addition, this alteration is predicted to be tolerated by in silico analysis. Since supporting evidence is limited at this time, the clinical significance of this alteration remains unclear.

NM_021619.3(PRDM12):c.1022A>C (p.His341Pro)

Gene: PRDM12 (PR/SET domain 12; plus strand). Cytogenetic location: 9q34.12.
Variant type: single nucleotide variant.
Coding change: c.1022A>C on transcript NM_021619.3 (MANE Select); coding-DNA position 1022, A replaced by C.
Protein change: p.His341Pro; replaces histidine 341 with proline.
Molecular consequence: missense variant.
Genome position (GRCh38, 1-based): chr9:130,681,587, A>C. VCF-style: chr9-130681587-A-C. GRCh37 (hg19) VCF-style: chr9-133556974-A-C.
Other names: short protein forms H341P.
Identifiers: ClinVar variation 1372268 (VCV001372268.6), dbSNP rs968896860, ClinGen allele CA375245193.
Genomic context (GRCh38, chr9:130,681,587, plus strand): 5'-CGCGGCACCGGCCGCCCAGCACCGCGCTGCAGGCACACTCGCCCGCGCTGCCCGCCCCGC[A>C]CGCGCACGCGCCCGCGCTCGCCGCCGCCGCCGCCGCCGCCGCCGCCGCCGCCGCGCACCA-3'
Protein context (NP_067632.2, residues 331-351): QAHSPALPAP[His341Pro]AHAPALAAAA